The following is an entry in ClinVar:

ClinVar aggregate classification (germline): Uncertain significance (1 of 4 stars; one submission).

Conditions:
Orofacial cleft 11 (OFC11). Also called: CLEFT LIP WITH OR WITHOUT CLEFT PALATE, NONSYNDROMIC, 11; Orofacial cleft 11; ofc11. Identifiers: MedGen C2677434, MONDO:0010906, OMIM 600625.
Microphthalmia with brain and digit anomalies (MCOPS6). Also called: MICROPHTHALMIA AND PITUITARY ANOMALIES; Microphthalmia, syndromic 6. Identifiers: Orphanet 139471, MedGen C1864689, MONDO:0011936, OMIM 607932.

Submission:

Labcorp Genetics (formerly Invitae), Labcorp
Classification: Uncertain significance for Microphthalmia with brain and digit anomalies; Orofacial cleft 11. Last evaluated: 2024-10-07. Review status: criteria provided, single submitter. Criteria: Invitae Variant Classification Sherloc (09022015). Collection method: clinical testing. Allele origin: germline.
Comment: This sequence change replaces valine, which is neutral and non-polar, with leucine, which is neutral and non-polar, at codon 327 of the BMP4 protein (p.Val327Leu). This variant is not present in population databases (gnomAD no frequency). This variant has not been reported in the literature in individuals affected with BMP4-related conditions. ClinVar contains an entry for this variant (Variation ID: 1992546). Invitae Evidence Modeling of protein sequence and biophysical properties (such as structural, functional, and spatial information, amino acid conservation, physicochemical variation, residue mobility, and thermodynamic stability) indicates that this missense variant is not expected to disrupt BMP4 protein function with a negative predictive value of 80%. In summary, the available evidence is currently insufficient to determine the role of this variant in disease. Therefore, it has been classified as a Variant of Uncertain Significance.

NM_001202.6(BMP4):c.979G>T (p.Val327Leu)

Gene: BMP4 (bone morphogenetic protein 4; minus strand). Cytogenetic location: 14q22.2.
Variant type: single nucleotide variant.
Coding change: c.979G>T on transcript NM_001202.6 (MANE Select); coding-DNA position 979, G replaced by T.
Protein change: p.Val327Leu; replaces valine 327 with leucine.
Molecular consequence: missense variant.
Genome position (GRCh38, 1-based): chr14:53,950,280, C>A on the plus strand (G>T on the coding strand, the complement: BMP4 is on the minus strand). VCF-style: chr14-53950280-C-A. GRCh37 (hg19) VCF-style: chr14-54416998-C-A.
Other names: c.1120G>T, p.Val374Leu (NM_001347912.1); c.790G>T, p.Val264Leu (NM_001347913.2, NM_001347915.2, NM_001347917.1); c.979G>T, p.Val327Leu (NM_001347914.2, NM_001347916.1, NM_130850.5 and 1 more transcripts); short protein forms V264L, V374L, V327L.
Identifiers: ClinVar variation 1992546 (VCV001992546.4), dbSNP rs1159448000, ClinGen allele CA389783548.